The following is an entry in ClinVar:

ClinVar aggregate classification (germline): Pathogenic (1 of 4 stars; one submission).

Conditions:
Inborn genetic diseases. Identifiers: MedGen C0950123, MeSH D030342.

Submission:

Ambry Genetics
Classification: Pathogenic for Inborn genetic diseases. Last evaluated: 2021-09-01. Review status: criteria provided, single submitter. Criteria: Ambry Variant Classification Scheme 2023. Collection method: clinical testing. Allele origin: germline.
Comment: The c.2825_2835delGCCCCCCAGGCinsA (p.G942Dfs*83) alteration, located in exon 34 (coding exon 34) of the COL18A1 gene, consists of a deletion of 11 nucleotides from position 2825 to 2835 and insertion of 1 nucleotide causing a translational frameshift with a predicted alternate stop codon after 83 amino acids. This alteration is expected to result in loss of function by premature protein truncation or nonsense-mediated mRNA decay. This variant was not reported in population-based cohorts in the Genome Aggregation Database (gnomAD). Based on the available evidence, this alteration is classified as pathogenic.

NM_001379500.1(COL18A1):c.2825_2835delinsA (p.Gly942fs)

Genes: COL18A1 (collagen type XVIII alpha 1 chain; plus strand), SLC19A1 (solute carrier family 19 member 1; minus strand). Cytogenetic location: 21q22.3.
Variant type: Indel.
Coding change: c.2825_2835delinsA on transcript NM_001379500.1 (MANE Select); coding-DNA positions 2825 to 2835, GCCCCCCAGGC replaced by A.
Protein change: p.Gly942fs; shifts the reading frame from glycine 942.
Molecular consequence: frameshift variant.
Genome position (GRCh38, 1-based): chr21:45,504,522-45,504,532, GCCCCCCAGGC replaced by A. VCF-style: chr21-45504522-GCCCCCCAGGC-A. GRCh37 (hg19) VCF-style: chr21-46924436-GCCCCCCAGGC-A.
Other names: NM_130445.2:c.2825_2835delGCCCCCCAGGCinsA; c.3365_3375delinsA, p.Gly1122fs (NM_030582.4); c.4070_4080delinsA, p.Gly1357fs (NM_130444.3); short protein forms G1357fs, G942fs, G1122fs.
Identifiers: ClinVar variation 2247603 (VCV002247603.2), dbSNP rs2517783786, ClinGen allele CA2580098870.